The following is an entry in ClinVar:

ClinVar aggregate classification (germline): Uncertain significance (1 of 4 stars; one submission).

Allele frequency attached by ClinVar (database versions not stated): gnomAD 0.00003; ExAC 0.00001.
gnomAD v4.1: 108 of 1,606,440 alleles (0.0067%); highest among the groups gnomAD compares: Non-Finnish European, 0.0089%; no homozygotes.

Submission:

Labcorp Genetics (formerly Invitae), Labcorp
Classification: Uncertain significance. Last evaluated: 2025-09-22. Review status: criteria provided, single submitter. Criteria: Invitae Variant Classification Sherloc (09022015). Collection method: clinical testing. Allele origin: germline.
Comment: This sequence change replaces threonine, which is neutral and polar, with alanine, which is neutral and non-polar, at codon 181 of the ANGPT1 protein (p.Thr181Ala). This variant is present in population databases (rs758928836, gnomAD 0.004%). This variant has not been reported in the literature in individuals affected with ANGPT1-related conditions. ClinVar contains an entry for this variant (Variation ID: 3018916). An algorithm developed to predict the effect of missense changes on protein structure and function (PolyPhen-2) suggests that this variant is likely to be tolerated. In summary, the available evidence is currently insufficient to determine the role of this variant in disease. Therefore, it has been classified as a Variant of Uncertain Significance.

NM_001146.5(ANGPT1):c.541A>G (p.Thr181Ala)

Gene: ANGPT1 (angiopoietin 1; minus strand). Cytogenetic location: 8q23.1.
Variant type: single nucleotide variant.
Coding change: c.541A>G on transcript NM_001146.5 (MANE Select); coding-DNA position 541, A replaced by G.
Protein change: p.Thr181Ala; replaces threonine 181 with alanine.
Molecular consequence: missense variant. On other transcripts: 5 prime UTR variant (1).
Genome position (GRCh38, 1-based): chr8:107,336,184, T>C on the plus strand (A>G on the coding strand, the complement: ANGPT1 is on the minus strand). VCF-style: chr8-107336184-T-C. GRCh37 (hg19) VCF-style: chr8-108348412-T-C.
Other names: c.541A>G, p.Thr181Ala (NM_001199859.3); c.-60A>G (NM_001314051.2); short protein forms T181A.
Identifiers: ClinVar variation 3018916 (VCV003018916.3), dbSNP rs758928836, ClinGen allele CA4841335.
Genomic context (GRCh38, chr8:107,336,184, plus strand): 5'-CATTTTTGGAATAAAGCAATCCTCACCTGTTTTTTTCATGGATCTTCAAGATTTCATTTG[T>C]CTGTTGAAGAAGTTGCTTCTCTAGCTTGTAGGTGGATAATGAATTCTCCAGCAGCTGTAT-3'
Protein context (NP_001137.2, residues 171-191): YKLEKQLLQQ[Thr181Ala]NEILKIHEKN